The following is an entry in ClinVar:

NM_001036.6(RYR3):c.5620-5C>G

Gene: RYR3 (ryanodine receptor 3; plus strand). Cytogenetic location: 15q14.
Variant type: single nucleotide variant.
Coding change: c.5620-5C>G on transcript NM_001036.6 (MANE Select); 5 bases into the intron before coding-DNA position 5620, C replaced by G.
Molecular consequence: intron variant.
Genome position (GRCh38, 1-based): chr15:33,669,349, C>G. VCF-style: chr15-33669349-C-G. GRCh37 (hg19) VCF-style: chr15-33961550-C-G.
Other names: c.5620-5C>G (NM_001243996.4).
Identifiers: ClinVar variation 461931 (VCV000461931.14), dbSNP rs80354707, ClinGen allele CA7459306.

ClinVar aggregate classification (germline): Benign. Review status: criteria provided, single submitter (1 of 4 stars). 2 submissions from 2 submitters: Benign (1). 1 of the submissions does not count toward it. Last evaluated 2025-06-02.

Conditions:
RYR3-related disorder. Also called: RYR3-related condition.
Epileptic encephalopathy. Identifiers: MedGen C0543888, HP:0200134.

Allele frequency attached by ClinVar (database versions not stated): gnomAD exomes 0.00060 and 0.00153; ExAC 0.00200; gnomAD 0.00681 and 0.00727; 1000 Genomes Project 0.00699; ESP Exome Variant Server 0.00731; TOPMed 0.00757; 1000 Genomes Project 30x 0.00781.
gnomAD v4.1: 1,936 of 1,613,538 alleles (0.12%); highest among the groups gnomAD compares: African/African-American, 2.3%; 24 homozygotes.

Submissions (3):

Labcorp Genetics (formerly Invitae), Labcorp
Classification: Benign for Epileptic encephalopathy. Last evaluated: 2025-06-02. Review status: criteria provided, single submitter. Criteria: Invitae Variant Classification Sherloc (09022015). Collection method: clinical testing. Allele origin: germline.

PreventionGenetics, part of Exact Sciences
Classification: Benign for RYR3-related condition. Last evaluated: 2019-04-17. Review status: no assertion criteria provided. Collection method: clinical testing. Allele origin: germline. Not counted in ClinVar's aggregate classification.
Comment: This variant is classified as benign based on ACMG/AMP sequence variant interpretation guidelines (Richards et al. 2015 PMID: 25741868, with internal and published modifications).

Dr. Peter K. Rogan Lab, Western University
No classification provided (evidence only). Condition: Colon adenocarcinoma. Review status: no classification provided. Collection method: in vitro. Allele origin: not applicable. Functional consequence: retained intron. Not counted in ClinVar's aggregate classification.